The following is an entry in ClinVar:

NM_006031.6(PCNT):c.4886dup (p.Ser1630fs)

Gene: PCNT (pericentrin; plus strand). Cytogenetic location: 21q22.3.
Variant type: Duplication.
Coding change: c.4886dup on transcript NM_006031.6 (MANE Select); coding-DNA position 4886, one base duplicated (C; older notation c.4886dupC).
Protein change: p.Ser1630fs; shifts the reading frame from serine 1630.
Molecular consequence: frameshift variant.
Genome position (GRCh38, 1-based): chr21:46,401,645, C duplicated; the last of 2 consecutive C bases (chr21:46,401,644-46,401,645); duplicating either gives the same sequence. VCF-style (leftmost placement, unchanged base first): chr21-46401643-T-TC. GRCh37 (hg19) VCF-style: chr21-47821557-T-TC.
Other names: c.4532dup, p.Ser1512fs (NM_001315529.2); short protein forms S1512fs, S1630fs.
Identifiers: ClinVar variation 3345986 (VCV003345986.1).

ClinVar aggregate classification (germline): Likely pathogenic (0 of 4 stars; one submission).

Conditions:
PCNT-related disorder. Also called: PCNT-related condition.

Submission:

PreventionGenetics, part of Exact Sciences
Classification: Likely pathogenic for PCNT-related condition. Last evaluated: 2024-09-13. Review status: no assertion criteria provided. Collection method: clinical testing. Allele origin: germline.
Comment: The PCNT c.4886dupC variant is predicted to result in a frameshift and premature protein termination (p.Ser1630Phefs*6). To our knowledge, this variant has not been reported in the literature or in a large population database, indicating this variant is rare. Frameshift variants in PCNT are expected to be pathogenic. This variant is interpreted as likely pathogenic.